The following is an entry in ClinVar:

ClinVar aggregate classification (germline): Uncertain significance (1 of 4 stars; one submission).

Conditions:
Neurofibromatosis, type 1 (NF1). Also called: VON RECKLINGHAUSEN DISEASE; Neurofibromatosis, type I; NEUROFIBROMATOSIS, TYPE I, SOMATIC; Peripheral type neurofibromatosis. Identifiers: Orphanet 636, MedGen C0027831, MONDO:0018975, OMIM 162200. Disease mechanism: loss of function.

Submission:

Labcorp Genetics (formerly Invitae), Labcorp
Classification: Uncertain significance for Neurofibromatosis, type 1. Last evaluated: 2024-07-22. Review status: criteria provided, single submitter. Criteria: Invitae Variant Classification Sherloc (09022015). Collection method: clinical testing. Allele origin: germline.
Comment: This sequence change replaces alanine, which is neutral and non-polar, with aspartic acid, which is acidic and polar, at codon 1580 of the NF1 protein (p.Ala1580Asp). This variant is not present in population databases (gnomAD no frequency). This variant has not been reported in the literature in individuals affected with NF1-related conditions. ClinVar contains an entry for this variant (Variation ID: 1394866). Advanced modeling of protein sequence and biophysical properties (such as structural, functional, and spatial information, amino acid conservation, physicochemical variation, residue mobility, and thermodynamic stability) performed at Invitae indicates that this missense variant is not expected to disrupt NF1 protein function with a negative predictive value of 95%. In summary, the available evidence is currently insufficient to determine the role of this variant in disease. Therefore, it has been classified as a Variant of Uncertain Significance.

NM_001042492.3(NF1):c.4802C>A (p.Ala1601Asp)

Gene: NF1 (neurofibromin 1; plus strand). Cytogenetic location: 17q11.2.
Variant type: single nucleotide variant.
Coding change: c.4802C>A on transcript NM_001042492.3 (MANE Select); coding-DNA position 4802, C replaced by A.
Protein change: p.Ala1601Asp; replaces alanine 1601 with aspartic acid.
Molecular consequence: missense variant.
Genome position (GRCh38, 1-based): chr17:31,265,306, C>A. VCF-style: chr17-31265306-C-A. GRCh37 (hg19) VCF-style: chr17-29592324-C-A.
Other names: c.4739C>A, p.Ala1580Asp (NM_000267.4); short protein forms A1601D, A1580D.
Identifiers: ClinVar variation 1394866 (VCV001394866.6), dbSNP rs2151470269, ClinGen allele CA399001322.